The following is an entry in ClinVar:

ClinVar aggregate classification (germline): Likely benign (1 of 4 stars; one submission).

Allele frequency attached by ClinVar (database versions not stated): ExAC 0.00002; gnomAD exomes 0.00002; gnomAD 0.00004; TOPMed 0.00005.
gnomAD v4.1: 43 of 1,612,880 alleles (0.0027%); highest among the groups gnomAD compares: Non-Finnish European, 0.0021%; no homozygotes.

Submission:

CeGaT Center for Human Genetics Tuebingen
Classification: Likely benign. Last evaluated: 2022-03-01. Review status: criteria provided, single submitter. Criteria: CeGaT Center For Human Genetics Tuebingen Variant Classification Criteria Version 2. Collection method: clinical testing. Allele origin: germline. Affected: yes. Observed: 1 variant allele.
Comment: CHD3: BP4, BP7

NM_001005273.3(CHD3):c.5796G>A (p.Gly1932=)

Gene: CHD3 (chromodomain helicase DNA binding protein 3; plus strand). Cytogenetic location: 17p13.1.
Variant type: single nucleotide variant.
Coding change: c.5796G>A on transcript NM_001005273.3 (MANE Select); coding-DNA position 5796, G replaced by A.
Protein change: p.Gly1932=; no amino-acid change (glycine 1932 retained).
Molecular consequence: synonymous variant.
Genome position (GRCh38, 1-based): chr17:7,910,888, G>A. VCF-style: chr17-7910888-G-A. GRCh37 (hg19) VCF-style: chr17-7814206-G-A.
Other names: c.5973G>A, p.Gly1991= (NM_001005271.3); c.5694G>A, p.Gly1898= (NM_005852.4).
Identifiers: ClinVar variation 2647440 (VCV002647440.24), dbSNP rs752811295, ClinGen allele CA8363776.